The following is an entry in ClinVar:

NM_177924.5(ASAH1):c.1096A>C (p.Lys366Gln)

Gene: ASAH1 (N-acylsphingosine amidohydrolase 1; minus strand). Cytogenetic location: 8p22.
Variant type: single nucleotide variant.
Coding change: c.1096A>C on transcript NM_177924.5 (MANE Select); coding-DNA position 1096, A replaced by C.
Protein change: p.Lys366Gln; replaces lysine 366 with glutamine.
Molecular consequence: missense variant.
Genome position (GRCh38, 1-based): chr8:18,058,837, T>G on the plus strand (A>C on the coding strand, the complement: ASAH1 is on the minus strand). VCF-style: chr8-18058837-T-G. GRCh37 (hg19) VCF-style: chr8-17916346-T-G.
Other names: c.1078A>C, p.Lys360Gln (NM_001127505.3); c.901A>C, p.Lys301Gln (NM_001363743.2); c.1144A>C, p.Lys382Gln (NM_004315.6); short protein forms K360Q, K366Q, K301Q, K382Q.
Identifiers: ClinVar variation 812479 (VCV000812479.2), dbSNP rs1588973202, ClinGen allele CA370426949.

ClinVar aggregate classification (germline): Likely pathogenic. Review status: criteria provided, multiple submitters, no conflicts (2 of 4 stars). 2 submissions from 2 submitters: Likely pathogenic (2). Last evaluated 2024-10-04.

Conditions:
Farber lipogranulomatosis (FRBRL). Also called: AC DEFICIENCY; ACID CERAMIDASE DEFICIENCY; CERAMIDASE DEFICIENCY; N-LAURYLSPHINGOSINE DEACYLASE DEFICIENCY; Farber's lipogranulomatosis; Farber's disease. Identifiers: Orphanet 333, MedGen C0268255, MONDO:0009218, OMIM 228000.
Spinal muscular atrophy-progressive myoclonic epilepsy syndrome. Also called: Spinal muscular atrophy with progressive myoclonic epilepsy; Hereditary myoclonus and progressive distal muscular atrophy; MYOCLONUS, HEREDITARY, WITH PROGRESSIVE DISTAL MUSCULAR ATROPHY; Spinal Muscular Atrophy with Progressive Myoclonic Epilepsy (SMA-PME). Identifiers: Orphanet 2590, MedGen C1834569, MONDO:0008045, OMIM 159950.

Submissions (2):

Dubai Health Genomic Medicine Center, Dubai Health
Classification: Likely pathogenic for Spinal muscular atrophy with progressive myoclonic epilepsy. Last evaluated: 2024-10-04. Review status: criteria provided, single submitter. Criteria: ACMG Guidelines, 2015. Collection method: research. Allele origin: germline. Affected: yes.
Comment: PP1,PM3(moderate),PM2,PP3

Medical Affairs, Dicerna Pharmaceuticals
Classification: Likely pathogenic for Farber lipogranulomatosis. Last evaluated: 2019-06-19. Review status: criteria provided, single submitter. Criteria: ACMG Guidelines, 2015. Collection method: literature only. Allele origin: paternal. Inheritance: Autosomal recessive inheritance. Affected: yes. Observed: 1 variant allele.
Comment: Variant c.1096A>C has been assigned a classification of likely pathogenic. The patient described in Al Jasmi et al, 2012, doi:10.1016/j.braindev.2011.09.006, was diagnosed with Farber disease characteristic of Type 2 Farber disease described in Gene Reviews. A nerve biopsy showed changes compatible with Farber disease. Compound heterozygous variants were identified in this patient, c.505T>C and c.1096A>C. Additionally, variant c.1096A>C has been identified in an unrelated patient described in Cozma et al., 2018, DOI:10.1038/s41598-017-06604-2. Ceramide C26:0 biomarker testing was completed in this patient along with 9 additional Farber disease patients and 2 SMA-PME patients demonstrating that C26:0 levels were significantly higher in Farber patients and SMA-PME patients compared to controls.

There are moderate physiochemical differences between tryptophan and arginine. Analysis with the software programs, Polyphen, SIFT and AGVGD indicated that this sequence change is probably damaging. The second mutation in exon 13 (c.1096A>C, p.K366Q) is also located at a highly conserved position. There are small physiochemical differences between lysine and glutamine. The software predictions programs support significant clinical relevance of the substitution. Lysosomal enzyme activities of b-galactosidase and total hexosaminidase were normal. This variant also was indentified in an unrelated patient recorded DOI: 10.1111/cge.12316.

Literature cited by the submitters: DOI 10.1016/j.braindev.2011.09.006 (cited by Medical Affairs, Dicerna Pharmaceuticals).